The following is an entry in ClinVar:

ClinVar aggregate classification (germline): Uncertain significance. Review status: criteria provided, multiple submitters, no conflicts (2 of 4 stars). 2 submissions from 2 submitters: Uncertain significance (2). Last evaluated 2026-04-28.

Conditions:
Glycogen storage disease IXa1. Also called: LIVER GLYCOGENOSIS, X-LINKED, TYPE I; GLYCOGEN STORAGE DISEASE VIII; GSD VIII; Glycogen storage disease 8. Identifiers: Orphanet 264580, MedGen C3694531, MONDO:0010598, OMIM 306000.
Inborn genetic diseases. Identifiers: MedGen C0950123, MeSH D030342.

Allele frequency attached by ClinVar (database versions not stated): ExAC 0.00001; gnomAD 0.00001; TOPMed 0.00001; gnomAD exomes 0.00005.
gnomAD v4.1: 53 of 1,204,904 alleles (0.0044%); highest among the groups gnomAD compares: Non-Finnish European, 0.0059%; no homozygotes.

Submissions (2):

Ambry Genetics
Classification: Uncertain significance for Inborn genetic diseases. Last evaluated: 2026-04-28. Review status: criteria provided, single submitter. Criteria: Ambry Variant Classification Scheme 2023. Collection method: clinical testing. Allele origin: germline.

Labcorp Genetics (formerly Invitae), Labcorp
Classification: Uncertain significance for Glycogen storage disease IXa1. Last evaluated: 2023-09-13. Review status: criteria provided, single submitter. Criteria: Invitae Variant Classification Sherloc (09022015). Collection method: clinical testing. Allele origin: germline.
Comment: Advanced modeling of protein sequence and biophysical properties (such as structural, functional, and spatial information, amino acid conservation, physicochemical variation, residue mobility, and thermodynamic stability) has been performed at Invitae for this missense variant, however the output from this modeling did not meet the statistical confidence thresholds required to predict the impact of this variant on PHKA2 protein function. This variant has not been reported in the literature in individuals affected with PHKA2-related conditions. The frequency data for this variant in the population databases is considered unreliable, as metrics indicate poor data quality at this position in the gnomAD database. This sequence change replaces arginine, which is basic and polar, with glycine, which is neutral and non-polar, at codon 361 of the PHKA2 protein (p.Arg361Gly). In summary, the available evidence is currently insufficient to determine the role of this variant in disease. Therefore, it has been classified as a Variant of Uncertain Significance.

NM_000292.3(PHKA2):c.1081A>G (p.Arg361Gly)

Gene: PHKA2 (phosphorylase kinase regulatory subunit alpha 2; minus strand). Cytogenetic location: Xp22.13.
Variant type: single nucleotide variant.
Coding change: c.1081A>G on transcript NM_000292.3 (MANE Select); coding-DNA position 1081, A replaced by G.
Protein change: p.Arg361Gly; replaces arginine 361 with glycine.
Molecular consequence: missense variant.
Genome position (GRCh38, 1-based): chrX:18,936,111, T>C on the plus strand (A>G on the coding strand, the complement: PHKA2 is on the minus strand). VCF-style: chrX-18936111-T-C. GRCh37 (hg19) VCF-style: chrX-18954229-T-C.
Other names: c.1081A>G (NM_000292.2); short protein forms R361G.
Identifiers: ClinVar variation 2747862 (VCV002747862.4), dbSNP rs771657154, ClinGen allele CA10361984.
Genomic context (GRCh38, chrX:18,936,111, plus strand): 5'-TTACCTTGTTAGGCGGGACAGCGTAGAGTTCAGGCACCAGGCGGATCCCATTCTTGCCTC[T>C]GATGAGTATTCCCTCCAGGGCCTCTCGGTATTCTTGGACCTGGAAAACAGCCCCATCATC-3'
Protein context (NP_000283.1, residues 351-371): YREALEGILI[Arg361Gly]GKNGIRLVPE